The following is an entry in ClinVar:

ClinVar aggregate classification (germline): Benign. Review status: criteria provided, multiple submitters, no conflicts (2 of 4 stars). 3 submissions from 3 submitters: Benign (2). 1 of the submissions does not count toward it. Last evaluated 2026-01-21.

Conditions:
AKR1C4-related disorder. Also called: AKR1C4-related condition.

Allele frequency attached by ClinVar (database versions not stated): gnomAD exomes 0.00142; ExAC 0.00186; gnomAD 0.00539 and 0.00560; TOPMed 0.00571; ESP Exome Variant Server 0.00677; 1000 Genomes Project 0.00839; 1000 Genomes Project 30x 0.00859.

Submissions (3):

Labcorp Genetics (formerly Invitae), Labcorp
Classification: Benign. Last evaluated: 2026-01-21. Review status: criteria provided, single submitter. Criteria: Invitae Variant Classification Sherloc (09022015). Collection method: clinical testing. Allele origin: germline.

Breakthrough Genomics
Classification: Benign. Review status: criteria provided, single submitter. Criteria: ACMG Guidelines, 2015. Collection method: not provided. Allele origin: germline. Inheritance: Autosomal recessive inheritance. Affected: yes.

PreventionGenetics, part of Exact Sciences
Classification: Benign for AKR1C4-related condition. Last evaluated: 2021-07-19. Review status: no assertion criteria provided. Collection method: clinical testing. Allele origin: germline. Not counted in ClinVar's aggregate classification.
Comment: This variant is classified as benign based on ACMG/AMP sequence variant interpretation guidelines (Richards et al. 2015 PMID: 25741868, with internal and published modifications).

NM_001818.5(AKR1C4):c.727G>A (p.Ala243Thr)

Gene: AKR1C4 (aldo-keto reductase family 1 member C4; plus strand). Cytogenetic location: 10p15.1.
Variant type: single nucleotide variant.
Coding change: c.727G>A on transcript NM_001818.5 (MANE Select); coding-DNA position 727, G replaced by A.
Protein change: p.Ala243Thr; replaces alanine 243 with threonine.
Molecular consequence: missense variant.
Genome position (GRCh38, 1-based): chr10:5,213,040, G>A. VCF-style: chr10-5213040-G-A. GRCh37 (hg19) VCF-style: chr10-5255003-G-A.
Other names: short protein forms A243T.
Identifiers: ClinVar variation 779104 (VCV000779104.12), dbSNP rs140450651, ClinGen allele CA5391577.